The following is an entry in ClinVar:

ClinVar aggregate classification (germline): Benign/Likely benign. Review status: criteria provided, multiple submitters, no conflicts (2 of 4 stars). 4 submissions from 4 submitters: Benign (2); Likely benign (1). 1 of the submissions does not count toward it. Last evaluated 2026-06-01.

Conditions:
THAP11-related disorder. Also called: THAP11-related condition.

Allele frequency attached by ClinVar (database versions not stated): ESP Exome Variant Server 0.00296; ExAC 0.00357.

Submissions (4):

CeGaT Center for Human Genetics Tuebingen
Classification: Likely benign. Last evaluated: 2026-06-01. Review status: criteria provided, single submitter. Criteria: CeGaT Center For Human Genetics Tuebingen Variant Classification Criteria Version 2. Collection method: clinical testing. Allele origin: germline. Affected: yes. Observed: 2 variant alleles.
Comment: THAP11: BP4, BP7

Labcorp Genetics (formerly Invitae), Labcorp
Classification: Benign. Last evaluated: 2026-01-27. Review status: criteria provided, single submitter. Criteria: Invitae Variant Classification Sherloc (09022015). Collection method: clinical testing. Allele origin: germline.

Breakthrough Genomics
Classification: Benign. Review status: criteria provided, single submitter. Criteria: ACMG Guidelines, 2015. Collection method: not provided. Allele origin: germline. Inheritance: Unknown mechanism. Affected: yes.

PreventionGenetics, part of Exact Sciences
Classification: Benign for THAP11-related condition. Last evaluated: 2019-11-12. Review status: no assertion criteria provided. Collection method: clinical testing. Allele origin: germline. Not counted in ClinVar's aggregate classification.
Comment: This variant is classified as benign based on ACMG/AMP sequence variant interpretation guidelines (Richards et al. 2015 PMID: 25741868, with internal and published modifications).

NM_020457.3(THAP11):c.348A>G (p.Gln116=)

Genes: CENPT (centromere protein T; minus strand), THAP11 (THAP domain containing 11; plus strand). Cytogenetic location: 16q22.1.
Variant type: single nucleotide variant.
Coding change: c.348A>G on transcript NM_020457.3 (MANE Select); coding-DNA position 348, A replaced by G.
Protein change: p.Gln116=; no amino-acid change (glutamine 116 retained).
Molecular consequence: synonymous variant. On other transcripts: intron variant (1).
Genome position (GRCh38, 1-based): chr16:67,842,902, A>G. VCF-style: chr16-67842902-A-G. GRCh37 (hg19) VCF-style: chr16-67876805-A-G.
Other names: c.-492+4499T>C (NM_025082.4).
Identifiers: ClinVar variation 1651592 (VCV001651592.18), dbSNP rs28434205, ClinGen allele CA8118207.